The following is an entry in ClinVar:

ClinVar aggregate classification (germline): Uncertain significance (1 of 4 stars; one submission).

Conditions:
WNK1-related disorder. Also called: WNK1-related condition.

Allele frequency attached by ClinVar (database versions not stated): TOPMed below 0.00001; gnomAD 0.00001.
gnomAD v4.1: 2 of 1,614,030 alleles (0.00012%); highest among the groups gnomAD compares: African/African-American, 0.0027%; no homozygotes.

Submission:

PreventionGenetics, part of Exact Sciences
Classification: Uncertain significance for WNK1-related condition. Last evaluated: 2023-01-24. Review status: criteria provided, single submitter. Criteria: ACMG Guidelines, 2015. Collection method: clinical testing. Allele origin: germline.
Comment: The WNK1 c.6859G>A variant is predicted to result in the amino acid substitution p.Ala2287Thr. To our knowledge, this variant has not been reported in the literature or in a large population database, indicating this variant is rare. At this time, the clinical significance of this variant is uncertain due to the absence of conclusive functional and genetic evidence.

NM_018979.4(WNK1):c.6859G>A (p.Ala2287Thr)

Gene: WNK1 (WNK lysine deficient protein kinase 1; plus strand). Cytogenetic location: 12p13.33.
Variant type: single nucleotide variant.
Coding change: c.6859G>A on transcript NM_018979.4 (MANE Select); coding-DNA position 6859, G replaced by A.
Protein change: p.Ala2287Thr; replaces alanine 2287 with threonine.
Molecular consequence: missense variant.
Genome position (GRCh38, 1-based): chr12:908,502, G>A. VCF-style: chr12-908502-G-A. GRCh37 (hg19) VCF-style: chr12-1017668-G-A.
Other names: c.7639G>A, p.Ala2547Thr (NM_001184985.2); c.6115G>A, p.Ala2039Thr (NM_014823.3); c.7615G>A, p.Ala2539Thr (NM_213655.5); short protein forms A2039T, A2287T, A2539T, A2547T.
Identifiers: ClinVar variation 2630370 (VCV002630370.1), dbSNP rs1050369612, ClinGen allele CA231498010.